The following is an entry in ClinVar:

NM_007294.4(BRCA1):c.2054A>G (p.Asn685Ser)

Gene: BRCA1 (BRCA1 DNA repair associated; minus strand). Cytogenetic location: 17q21.31.
Variant type: single nucleotide variant.
Coding change: c.2054A>G on transcript NM_007294.4 (MANE Select); coding-DNA position 2054, A replaced by G.
Protein change: p.Asn685Ser; replaces asparagine 685 with serine.
Molecular consequence: missense variant. On other transcripts: intron variant (137).
Genome position (GRCh38, 1-based): chr17:43,093,477, T>C on the plus strand (A>G on the coding strand, the complement: BRCA1 is on the minus strand). VCF-style: chr17-43093477-T-C. GRCh37 (hg19) VCF-style: chr17-41245494-T-C.
Other names: c.1841A>G, p.Asn614Ser (NM_001407571.1, NM_001407853.1, NM_001407894.1 and 9 more transcripts); c.2054A>G, p.Asn685Ser (NM_001407581.1, NM_001407582.1, NM_001407583.1 and 30 more transcripts); c.2051A>G, p.Asn684Ser (NM_001407587.1, NM_001407590.1, NM_001407591.1 and 22 more transcripts); c.2045A>G, p.Asn682Ser (NM_001407646.1, NM_001407647.1); c.1931A>G, p.Asn644Ser (NM_001407648.1, NM_001407664.1, NM_001407665.1 and 19 more transcripts); c.1928A>G, p.Asn643Ser (NM_001407649.1, NM_001407670.1, NM_001407671.1 and 11 more transcripts); c.1976A>G, p.Asn659Ser (NM_001407653.1, NM_001407654.1, NM_001407655.1 and 4 more transcripts); c.1973A>G, p.Asn658Ser (NM_001407659.1, NM_001407660.1, NM_001407661.1 and 1 more transcripts); and 40 more; short protein forms N389S, N517S, N557S, N558S, N573S, N574S, N596S, N597S.
Identifiers: ClinVar variation 3768012 (VCV003768012.1).

ClinVar aggregate classification (germline): Uncertain significance (1 of 4 stars; one submission).

Conditions:
Inherited ovarian cancer (without breast cancer).

Submission:

Genomics and Molecular Medicine Service, East Genomic Laboratory Hub, NHS Genomic Medicine Service
Classification: Uncertain significance for Inherited ovarian cancer (without breast cancer). Last evaluated: 2025-03-14. Review status: criteria provided, single submitter. Criteria: ACGS Best Practice Guidelines for Variant Classification in Rare Disease 2020. Collection method: clinical testing. Allele origin: germline. Affected: yes.
Comment: PM2,BP1,BP4